The following is an entry in ClinVar:

ClinVar aggregate classification (germline): Likely benign (0 of 4 stars; one submission).

Conditions:
NUAK2-related disorder. Also called: NUAK2-related condition.

Allele frequency attached by ClinVar (database versions not stated): gnomAD exomes 0.00020; ExAC 0.00055; gnomAD 0.00149; TOPMed 0.00157; ESP Exome Variant Server 0.00169; 1000 Genomes Project 30x 0.00250; 1000 Genomes Project 0.00260.

Submission:

PreventionGenetics, part of Exact Sciences
Classification: Likely benign for NUAK2-related condition. Last evaluated: 2023-04-05. Review status: no assertion criteria provided. Collection method: clinical testing. Allele origin: germline.
Comment: This variant is classified as likely benign based on ACMG/AMP sequence variant interpretation guidelines (Richards et al. 2015 PMID: 25741868, with internal and published modifications).

NM_030952.3(NUAK2):c.400C>T (p.Arg134Trp)

Gene: NUAK2 (NUAK family kinase 2; minus strand). Cytogenetic location: 1q32.1.
Variant type: single nucleotide variant.
Coding change: c.400C>T on transcript NM_030952.3 (MANE Select); coding-DNA position 400, C replaced by T.
Protein change: p.Arg134Trp; replaces arginine 134 with tryptophan.
Molecular consequence: missense variant.
Genome position (GRCh38, 1-based): chr1:205,308,685, G>A on the plus strand (C>T on the coding strand, the complement: NUAK2 is on the minus strand). VCF-style: chr1-205308685-G-A. GRCh37 (hg19) VCF-style: chr1-205277813-G-A.
Other names: short protein forms R134W.
Identifiers: ClinVar variation 3038181 (VCV003038181.2), dbSNP rs115768136, ClinGen allele CA1354096.